The following is an entry in ClinVar:

ClinVar aggregate classification (germline): Uncertain significance (1 of 4 stars; one submission).

Conditions:
Hereditary cancer-predisposing syndrome. Also called: Tumor predisposition; Neoplastic Syndromes, Hereditary; Hereditary neoplastic syndrome; Hereditary Cancer Syndrome. Identifiers: Orphanet 140162, MedGen C0027672, MeSH D009386, MONDO:0015356.

Submission:

Ambry Genetics
Classification: Uncertain significance for Hereditary cancer-predisposing syndrome. Last evaluated: 2025-08-27. Review status: criteria provided, single submitter. Criteria: Ambry Variant Classification Scheme 2023. Collection method: clinical testing. Allele origin: germline.
Comment: The p.H340L variant (also known as c.1019A>T), located in coding exon 12 of the MUTYH gene, results from an A to T substitution at nucleotide position 1019. The histidine at codon 340 is replaced by leucine, an amino acid with similar properties. This amino acid position is conserved. In addition, this alteration is predicted to be tolerated by in silico analysis. Based on the available evidence, the clinical significance of this variant remains unclear.

NM_001048174.2(MUTYH):c.935A>T (p.His312Leu)

Gene: MUTYH (mutY DNA glycosylase; minus strand). Cytogenetic location: 1p34.1.
Variant type: single nucleotide variant.
Coding change: c.935A>T on transcript NM_001048174.2 (MANE Select); coding-DNA position 935, A replaced by T.
Protein change: p.His312Leu; replaces histidine 312 with leucine.
Molecular consequence: missense variant. On other transcripts: non-coding transcript variant (7).
Genome position (GRCh38, 1-based): chr1:45,331,828, T>A on the plus strand (A>T on the coding strand, the complement: MUTYH is on the minus strand). VCF-style: chr1-45331828-T-A. GRCh37 (hg19) VCF-style: chr1-45797500-T-A.
Other names: c.935A>T, p.His312Leu (NM_001048171.2, NM_001048173.2, NM_001407070.1 and 6 more transcripts); c.938A>T, p.His313Leu (NM_001048172.2, NM_001407071.1, NM_001407078.1 and 1 more transcripts); c.851A>T, p.His284Leu (NM_001407075.1); c.968A>T, p.His323Leu (NM_001407077.1, NM_001293191.2, NM_001407069.1); c.896A>T, p.His299Leu (NM_001407079.1); c.893A>T, p.His298Leu (NM_001407080.1); c.1019A>T, p.His340Leu (NM_001128425.2); c.980A>T, p.His327Leu (NM_001293190.2); and 5 more; short protein forms H299L, H312L, H323L, H340L, H284L, H313L, H319L, H197L.
Identifiers: ClinVar variation 4112927 (VCV004112927.1).